The following is an entry in ClinVar:

NM_000504.4(F10):c.1094G>C (p.Gly365Ala)

Genes: F10 (coagulation factor X; plus strand), F10-AS2 (F10 antisense RNA 2; minus strand). Cytogenetic location: 13q34.
Variant type: single nucleotide variant.
Coding change: c.1094G>C on transcript NM_000504.4 (MANE Select); coding-DNA position 1094, G replaced by C.
Protein change: p.Gly365Ala; replaces glycine 365 with alanine.
Molecular consequence: missense variant. On other transcripts: 3 prime UTR variant (1).
Genome position (GRCh38, 1-based): chr13:113,149,144, G>C. VCF-style: chr13-113149144-G-C. GRCh37 (hg19) VCF-style: chr13-113803458-G-C.
Other names: c.962G>C, p.Gly321Ala (NM_001312674.2); c.*85G>C (NM_001312675.2); short protein forms G321A, G365A.
Identifiers: ClinVar variation 3241997 (VCV003241997.1), dbSNP rs2503112691.

ClinVar aggregate classification (germline): Uncertain significance (1 of 4 stars; one submission).

Conditions:
Hereditary factor X deficiency disease. Also called: Congenital factor X deficiency; STUART-PROWER FACTOR DEFICIENCY. Identifiers: Orphanet 328, MedGen C0272327, MONDO:0009212, OMIM 227600.

Submission:

Neuberg Centre For Genomic Medicine, NCGM
Classification: Uncertain significance for Hereditary factor X deficiency disease. Review status: criteria provided, single submitter. Criteria: ACMG Guidelines, 2015. Collection method: clinical testing. Allele origin: germline. Inheritance: Autosomal recessive inheritance. Affected: yes.
Comment: The observed missense variant c.1094G>C(p.Gly365Ala) in F10 gene has not been reported previously as a pathogenic variant nor as a benign variant, to our knowledge. The c.1094G>C variant is absent in gnomAD Exomes. The amino acid Glycine at position 365 is changed to a Alanine changing protein sequence and it might alter its composition and physico-chemical properties. The variant is predicted to be damaging by SIFT. The amino acid change p.Gly365Ala in F10 is predicted as conserved by GERP++ and PhyloP across 100 vertebrates. For these reasons, this variant has been classified as Uncertain Significance.